The following is an entry in ClinVar:

ClinVar aggregate classification (germline): Conflicting classifications of pathogenicity. Review status: criteria provided, conflicting classifications (1 of 4 stars). 5 submissions from 5 submitters: Uncertain significance (2); Likely benign (2). 1 of the submissions does not count toward it. Last evaluated 2025-12-17.

Conditions:
CDHR1-related disorder. Also called: CDHR1-related condition.
Inborn genetic diseases. Identifiers: MedGen C0950123, MeSH D030342.
Cone-rod dystrophy 15 (CORD15). Identifiers: MedGen C3150912, MONDO:0013348, OMIM 613660.

Allele frequency attached by ClinVar (database versions not stated): gnomAD exomes 0.00015 and 0.00050; ExAC 0.00068; ESP Exome Variant Server 0.00161; gnomAD 0.00168 and 0.00178; TOPMed 0.00189; 1000 Genomes Project 30x 0.00219; 1000 Genomes Project 0.00240.
gnomAD v4.1: 479 of 1,614,232 alleles (0.03%); highest among the groups gnomAD compares: African/African-American, 0.57%; no homozygotes.

Submissions (5):

Labcorp Genetics (formerly Invitae), Labcorp
Classification: Likely benign. Last evaluated: 2025-12-17. Review status: criteria provided, single submitter. Criteria: Invitae Variant Classification Sherloc (09022015). Collection method: clinical testing. Allele origin: germline.

Ambry Genetics
Classification: Uncertain significance for Inborn genetic diseases. Last evaluated: 2025-08-05. Review status: criteria provided, single submitter. Criteria: Ambry Variant Classification Scheme 2023. Collection method: clinical testing. Allele origin: germline.

Blueprint Genetics
Classification: Likely benign. Last evaluated: 2024-08-15. Review status: criteria provided, single submitter. Criteria: ACMG Guidelines, 2015. Collection method: clinical testing. Allele origin: germline.

Illumina Laboratory Services, Illumina
Classification: Uncertain significance for Cone-rod dystrophy 15. Last evaluated: 2018-01-13. Review status: criteria provided, single submitter. Criteria: ICSL Variant Classification Criteria 13 December 2019. Collection method: clinical testing. Allele origin: germline.

PreventionGenetics, part of Exact Sciences
Classification: Likely benign for CDHR1-related condition. Last evaluated: 2019-10-18. Review status: no assertion criteria provided. Collection method: clinical testing. Allele origin: germline. Not counted in ClinVar's aggregate classification.
Comment: This variant is classified as likely benign based on ACMG/AMP sequence variant interpretation guidelines (Richards et al. 2015 PMID: 25741868, with internal and published modifications).

NM_033100.4(CDHR1):c.1873C>G (p.His625Asp)

Gene: CDHR1 (cadherin related family member 1; plus strand). Cytogenetic location: 10q23.1.
Variant type: single nucleotide variant.
Coding change: c.1873C>G on transcript NM_033100.4 (MANE Select); coding-DNA position 1873, C replaced by G.
Protein change: p.His625Asp; replaces histidine 625 with aspartic acid.
Molecular consequence: missense variant.
Genome position (GRCh38, 1-based): chr10:84,213,181, C>G. VCF-style: chr10-84213181-C-G. GRCh37 (hg19) VCF-style: chr10-85972937-C-G.
Other names: c.1873C>G (NM_033100.2); c.1873C>G, p.His625Asp (NM_001171971.3); short protein forms H625D.
Identifiers: ClinVar variation 301250 (VCV000301250.19), dbSNP rs149043166, ClinGen allele CA5580080.
Genomic context (GRCh38, chr10:84,213,181, plus strand): 5'-AACCTGGTGGACTATTCCATCACCCATGCAGAGCCCGCCAACGTGTTCGACATCAATTCC[C>G]ACACGGGGGAGATCTGGCTCAAGAATTCCATCCGCTCCCTGGATGCCCTGCACAACATCA-3'
Protein context (NP_149091.1, residues 615-635): EPANVFDINS[His625Asp]TGEIWLKNSI